The following is an entry in ClinVar:

ClinVar aggregate classification (germline): Uncertain significance. Review status: criteria provided, multiple submitters, no conflicts (2 of 4 stars). 5 submissions from 5 submitters: Uncertain significance (5). Last evaluated 2026-02-28.

Conditions:
Cardiomyopathy (CMYO). Also called: Cardiomyopathies. Identifiers: Orphanet 167848, MedGen C0878544, MONDO:0004994, HP:0001638. Inheritance: Various modes of inheritance.
Cardiovascular phenotype. Identifiers: MedGen CN230736.
Arrhythmogenic right ventricular dysplasia 5. Also called: Arrhythmogenic Right Ventricular Dysplasia/Cardiomyopathy 5; ARRHYTHMOGENIC RIGHT VENTRICULAR DYSPLASIA, FAMILIAL, 5. Identifiers: MedGen C1858379, MONDO:0011459, OMIM 604400.

Allele frequency attached by ClinVar (database versions not stated): gnomAD 0.00001; gnomAD exomes 0.00001.
gnomAD v4.1: 11 of 1,613,934 alleles (0.00068%); highest among the groups gnomAD compares: African/African-American, 0.004%; no homozygotes.

Submissions (5):

GeneDx
Classification: Uncertain significance. Last evaluated: 2026-02-28. Review status: criteria provided, single submitter. Criteria: GeneDx Variant Classification Process June 2021. Collection method: clinical testing. Allele origin: germline.
Comment: Not observed at significant frequency in large population cohorts (gnomAD); In silico analysis supports that this missense variant has a deleterious effect on protein structure/function; Has not been previously published as pathogenic or benign to our knowledge

Labcorp Genetics (formerly Invitae), Labcorp
Classification: Uncertain significance for Arrhythmogenic right ventricular dysplasia 5. Last evaluated: 2025-10-09. Review status: criteria provided, single submitter. Criteria: Invitae Variant Classification Sherloc (09022015). Collection method: clinical testing. Allele origin: germline.
Comment: This sequence change replaces arginine, which is basic and polar, with tryptophan, which is neutral and slightly polar, at codon 391 of the TMEM43 protein (p.Arg391Trp). This variant is not present in population databases (gnomAD no frequency). This variant has not been reported in the literature in individuals affected with TMEM43-related conditions. ClinVar contains an entry for this variant (Variation ID: 656758). Invitae Evidence Modeling of protein sequence and biophysical properties (such as structural, functional, and spatial information, amino acid conservation, physicochemical variation, residue mobility, and thermodynamic stability) indicates that this missense variant is not expected to disrupt TMEM43 protein function with a negative predictive value of 80%. In summary, the available evidence is currently insufficient to determine the role of this variant in disease. Therefore, it has been classified as a Variant of Uncertain Significance.

All of Us Research Program, National Institutes of Health
Classification: Uncertain significance for Arrhythmogenic right ventricular dysplasia 5. Last evaluated: 2023-11-02. Review status: criteria provided, single submitter. Criteria: ACMG Guidelines, 2015. Collection method: clinical testing. Allele origin: germline. Inheritance: Autosomal dominant inheritance. Observed: 1 variant allele, 1 heterozygote.
Comment: This missense variant replaces arginine with tryptophan at codon 391 of the TMEM43 protein. Computational prediction suggests that this variant may not impact protein structure and function (internally defined REVEL score threshold <= 0.5, PMID: 27666373). Splice site prediction tools suggest that this variant may not impact RNA splicing. To our knowledge, functional studies have not been performed for this variant. This variant has not been reported in individuals affected with cardiovascular disorders in the literature. This variant has not been identified in the general population by the Genome Aggregation Database (gnomAD). The available evidence is insufficient to determine the role of this variant in disease conclusively. Therefore, this variant is classified as a Variant of Uncertain Significance.

This study involves interpretation of variants in research participants for the purpose of population health screening. Participant phenotype was not available at the time of variant classification. Additional details can be found in publication PMID: 35346344, PMCID: PMC8962531

Color Diagnostics, LLC DBA Color Health
Classification: Uncertain significance for Cardiomyopathy. Last evaluated: 2023-10-11. Review status: criteria provided, single submitter. Criteria: ACMG Guidelines, 2015. Collection method: clinical testing. Allele origin: germline.
Comment: This missense variant replaces arginine with tryptophan at codon 391 of the TMEM43 protein. Computational prediction suggests that this variant may not impact protein structure and function (internally defined REVEL score threshold <= 0.5, PMID: 27666373). To our knowledge, functional studies have not been performed for this variant. This variant has not been reported in individuals affected with cardiovascular disorders in the literature. This variant has not been identified in the general population by the Genome Aggregation Database (gnomAD). The available evidence is insufficient to determine the role of this variant in disease conclusively. Therefore, this variant is classified as a Variant of Uncertain Significance.

Ambry Genetics
Classification: Uncertain significance for Cardiovascular phenotype. Last evaluated: 2020-06-02. Review status: criteria provided, single submitter. Criteria: Ambry Variant Classification Scheme 2023. Collection method: clinical testing. Allele origin: germline.
Comment: The p.R391W variant (also known as c.1171C>T), located in coding exon 12 of the TMEM43 gene, results from a C to T substitution at nucleotide position 1171. The arginine at codon 391 is replaced by tryptophan, an amino acid with dissimilar properties. This amino acid position is well conserved in available vertebrate species. In addition, the in silico prediction for this alteration is inconclusive. Since supporting evidence is limited at this time, the clinical significance of this alteration remains unclear.

NM_024334.3(TMEM43):c.1171C>T (p.Arg391Trp)

Gene: TMEM43 (transmembrane protein 43; plus strand). Cytogenetic location: 3p25.1.
Variant type: single nucleotide variant.
Coding change: c.1171C>T on transcript NM_024334.3 (MANE Select); coding-DNA position 1171, C replaced by T.
Protein change: p.Arg391Trp; replaces arginine 391 with tryptophan.
Molecular consequence: missense variant.
Genome position (GRCh38, 1-based): chr3:14,141,763, C>T. VCF-style: chr3-14141763-C-T. GRCh37 (hg19) VCF-style: chr3-14183263-C-T.
Other names: short protein forms R391W.
Identifiers: ClinVar variation 656758 (VCV000656758.16), dbSNP rs1574942204, ClinGen allele CA351536668.